The following is an entry in ClinVar:

NM_004370.6(COL12A1):c.6642G>C (p.Gln2214His)

Gene: COL12A1 (collagen type XII alpha 1 chain; minus strand). Cytogenetic location: 6q13.
Variant type: single nucleotide variant.
Coding change: c.6642G>C on transcript NM_004370.6 (MANE Select); coding-DNA position 6642, G replaced by C.
Protein change: p.Gln2214His; replaces glutamine 2214 with histidine.
Molecular consequence: missense variant.
Genome position (GRCh38, 1-based): chr6:75,124,337, C>G on the plus strand (G>C on the coding strand, the complement: COL12A1 is on the minus strand). VCF-style: chr6-75124337-C-G. GRCh37 (hg19) VCF-style: chr6-75834053-C-G.
Other names: c.3150G>C, p.Gln1050His (NM_080645.3); short protein forms Q1050H, Q2214H.
Identifiers: ClinVar variation 2416044 (VCV002416044.4), dbSNP rs2533231760, ClinGen allele CA364729070.

ClinVar aggregate classification (germline): Uncertain significance (1 of 4 stars; one submission).

Conditions:
Ullrich congenital muscular dystrophy 2 (UCMD2). Identifiers: Orphanet 75840, MedGen C4225314, MONDO:0014654, OMIM 616470.
Bethlem myopathy 2 (BTHLM2). Identifiers: Orphanet 536516, Orphanet 610, MedGen C4225313, MONDO:0034022, OMIM 616471.

Allele frequency attached by ClinVar (database versions not stated): gnomAD exomes below 0.00001.
gnomAD v4.1: 1 of 1,613,022 alleles (0.000062%); highest among the groups gnomAD compares: Non-Finnish European, 0.000085%; no homozygotes.

Submission:

Labcorp Genetics (formerly Invitae), Labcorp
Classification: Uncertain significance for Bethlem myopathy 2; Ullrich congenital muscular dystrophy 2. Last evaluated: 2023-05-15. Review status: criteria provided, single submitter. Criteria: Invitae Variant Classification Sherloc (09022015). Collection method: clinical testing. Allele origin: germline.
Comment: This sequence change replaces glutamine, which is neutral and polar, with histidine, which is basic and polar, at codon 2214 of the COL12A1 protein (p.Gln2214His). This variant is not present in population databases (gnomAD no frequency). In summary, the available evidence is currently insufficient to determine the role of this variant in disease. Therefore, it has been classified as a Variant of Uncertain Significance. Advanced modeling of protein sequence and biophysical properties (such as structural, functional, and spatial information, amino acid conservation, physicochemical variation, residue mobility, and thermodynamic stability) performed at Invitae indicates that this missense variant is not expected to disrupt COL12A1 protein function. ClinVar contains an entry for this variant (Variation ID: 2416044). This variant has not been reported in the literature in individuals affected with COL12A1-related conditions.